The following is an entry in ClinVar:

ClinVar aggregate classification (germline): Benign (1 of 4 stars; one submission).

Conditions:
Oligodontia-cancer predisposition syndrome. Also called: TOOTH AGENESIS-COLORECTAL CANCER SYNDROME. Identifiers: Orphanet 300576, MedGen C1837750, MONDO:0012075, OMIM 608615. Disease mechanism: loss of function.

Allele frequency attached by ClinVar (database versions not stated): gnomAD exomes below 0.00001.
gnomAD v4.1: 2 of 1,614,186 alleles (0.00012%); highest among the groups gnomAD compares: Non-Finnish European, 0.000085%; no homozygotes.

Submission:

Myriad Genetics, Inc.
Classification: Benign for Oligodontia-cancer predisposition syndrome. Last evaluated: 2024-06-27. Review status: criteria provided, single submitter. Criteria: Myriad Autosomal Dominant, Autosomal Recessive and X-Linked Classification Criteria (2023). Collection method: clinical testing. Allele origin: unknown.
Comment: This variant is considered benign. This variant is a silent/synonymous amino acid change and it is not expected to impact splicing.

NM_004655.4(AXIN2):c.801T>C (p.Val267=)

Gene: AXIN2 (axin 2; minus strand). Cytogenetic location: 17q24.1.
Variant type: single nucleotide variant.
Coding change: c.801T>C on transcript NM_004655.4 (MANE Select); coding-DNA position 801, T replaced by C.
Protein change: p.Val267=; no amino-acid change (valine 267 retained).
Molecular consequence: synonymous variant.
Genome position (GRCh38, 1-based): chr17:65,557,820, A>G on the plus strand (T>C on the coding strand, the complement: AXIN2 is on the minus strand). VCF-style: chr17-65557820-A-G. GRCh37 (hg19) VCF-style: chr17-63553938-A-G.
Other names: c.801T>C, p.Val267= (NM_001363813.1).
Identifiers: ClinVar variation 3254239 (VCV003254239.1), dbSNP rs2544246791.